The following is an entry in ClinVar:

ClinVar aggregate classification (germline): Pathogenic (1 of 4 stars; one submission).

Submission:

GeneDx
Classification: Pathogenic. Last evaluated: 2023-12-30. Review status: criteria provided, single submitter. Criteria: GeneDx Variant Classification Process June 2021. Collection method: clinical testing. Allele origin: germline. Affected: yes.
Comment: Frameshift variant predicted to result in protein truncation in a gene for which loss of function is a known mechanism of disease; Not observed at significant frequency in large population cohorts (gnomAD); Has not been previously published as pathogenic or benign to our knowledge

NM_001371928.1(AHDC1):c.1289dup (p.Pro431fs)

Gene: AHDC1 (AT-hook DNA binding motif containing 1; minus strand). Cytogenetic location: 1p36.11.
Variant type: Duplication.
Coding change: c.1289dup on transcript NM_001371928.1 (MANE Select); coding-DNA position 1289, one base duplicated (C; older notation c.1289dupC).
Protein change: p.Pro431fs; shifts the reading frame from proline 431.
Molecular consequence: frameshift variant.
Genome position (GRCh38, 1-based): chr1:27,550,827, G duplicated on the plus strand (C on the coding strand, the reverse complement: AHDC1 is on the minus strand); the first of 5 consecutive G bases (chr1:27,550,827-27,550,831); duplicating any one gives the same sequence. VCF-style (leftmost placement, unchanged base first): chr1-27550826-T-TG. GRCh37 (hg19) VCF-style: chr1-27877337-T-TG.
Other names: c.1289dup, p.Pro431fs (NM_001029882.3); short protein forms P431fs.
Identifiers: ClinVar variation 3342531 (VCV003342531.1).